The following is an entry in ClinVar:

NM_001904.4(CTNNB1):c.2311A>G (p.Ser771Gly)

Gene: CTNNB1 (catenin beta 1; plus strand). Cytogenetic location: 3p22.1.
Variant type: single nucleotide variant.
Coding change: c.2311A>G on transcript NM_001904.4 (MANE Select); coding-DNA position 2311, A replaced by G.
Protein change: p.Ser771Gly; replaces serine 771 with glycine.
Molecular consequence: missense variant.
Genome position (GRCh38, 1-based): chr3:41,239,307, A>G. VCF-style: chr3-41239307-A-G. GRCh37 (hg19) VCF-style: chr3-41280798-A-G.
Other names: c.2311A>G, p.Ser771Gly (NM_001098209.2, NM_001098210.2); c.2290A>G, p.Ser764Gly (NM_001330729.2); short protein forms S771G, S764G.
Identifiers: ClinVar variation 2111098 (VCV002111098.4), dbSNP rs1221104083, ClinGen allele CA352237630.
Genomic context (GRCh38, chr3:41,239,307, plus strand): 5'-GATGGGCTGCCAGATCTGGGGCATGCCCAGGACCTCATGGATGGGCTGCCTCCAGGTGAC[A>G]GCAATCAGCTGGCCTGGTTTGATACTGACCTGTAAATCATCCTTTAGGTAAGAAGTTTTA-3'
Protein context (NP_001895.1, residues 761-781): DLMDGLPPGD[Ser771Gly]NQLAWFDTDL

ClinVar aggregate classification (germline): Uncertain significance (1 of 4 stars; one submission).

Allele frequency attached by ClinVar (database versions not stated): gnomAD 0.00001.
gnomAD v4.1: 1 of 1,614,050 alleles (0.000062%); highest among the groups gnomAD compares: Non-Finnish European, 0.000085%; no homozygotes.

Submission:

Labcorp Genetics (formerly Invitae), Labcorp
Classification: Uncertain significance. Last evaluated: 2022-03-13. Review status: criteria provided, single submitter. Criteria: Invitae Variant Classification Sherloc (09022015). Collection method: clinical testing. Allele origin: germline.
Comment: This variant has not been reported in the literature in individuals affected with CTNNB1-related conditions. Algorithms developed to predict the effect of missense changes on protein structure and function (SIFT, PolyPhen-2, Align-GVGD) all suggest that this variant is likely to be tolerated. In summary, the available evidence is currently insufficient to determine the role of this variant in disease. Therefore, it has been classified as a Variant of Uncertain Significance. This sequence change replaces serine, which is neutral and polar, with glycine, which is neutral and non-polar, at codon 771 of the CTNNB1 protein (p.Ser771Gly). This variant is present in population databases (no rsID available, gnomAD 0.01%).